The following is an entry in ClinVar:

ClinVar aggregate classification (germline): Benign/Likely benign. Review status: criteria provided, multiple submitters, no conflicts (2 of 4 stars). 8 submissions from 8 submitters: Benign (4); Likely benign (2). 2 of the submissions do not count toward it. Last evaluated 2026-01-31.

Conditions:
Microcephalic osteodysplastic primordial dwarfism type II (MOPD2). Also called: Microcephalic osteodysplastic primordial dwarfism with tooth abnormalities; MOPD II; OSTEODYSPLASTIC PRIMORDIAL DWARFISM, TYPE II. Identifiers: Orphanet 2637, MedGen C0432246, MONDO:0008872, OMIM 210720.

Allele frequency attached by ClinVar (database versions not stated): ExAC 0.00364; 1000 Genomes Project 0.00699; TOPMed 0.00757; gnomAD 0.00764; 1000 Genomes Project 30x 0.00765; ESP Exome Variant Server 0.00848.
gnomAD v4.1: 1,939 of 1,550,706 alleles (0.13%); highest among the groups gnomAD compares: African/African-American, 2.3%; 30 homozygotes.

Submissions (8):

Labcorp Genetics (formerly Invitae), Labcorp
Classification: Benign. Last evaluated: 2026-01-31. Review status: criteria provided, single submitter. Criteria: Invitae Variant Classification Sherloc (09022015). Collection method: clinical testing. Allele origin: germline.

ARUP Laboratories, Molecular Genetics and Genomics, ARUP Laboratories
Classification: Benign for Microcephalic osteodysplastic primordial dwarfism type II. Last evaluated: 2024-12-27. Review status: criteria provided, single submitter. Criteria: ARUP Molecular Germline Variant Investigation Process 2024. Collection method: clinical testing. Allele origin: germline.

GeneDx
Classification: Likely benign. Last evaluated: 2021-10-19. Review status: criteria provided, single submitter. Criteria: GeneDx Variant Classification Process June 2021. Collection method: clinical testing. Allele origin: germline. Affected: yes.

Illumina Laboratory Services, Illumina
Classification: Benign for Microcephalic osteodysplastic primordial dwarfism type II. Last evaluated: 2018-01-13. Review status: criteria provided, single submitter. Criteria: ICSL Variant Classification Criteria 13 December 2019. Collection method: clinical testing. Allele origin: germline.
Comment: This variant was observed in the ICSL laboratory as part of a predisposition screen in an ostensibly healthy population. It had not been previously curated by ICSL or reported in the Human Gene Mutation Database (HGMD: prior to June 1st, 2018), and was therefore a candidate for classification through an automated scoring system. Utilizing variant allele frequency, disease prevalence and penetrance estimates, and inheritance mode, an automated score was calculated to assess if this variant is too frequent to cause the disease. Based on the score and internal cut-off values, a variant classified as benign is not then subjected to further curation. The score for this variant resulted in a classification of benign for this disease.

Genetic Services Laboratory, University of Chicago
Classification: Benign. Last evaluated: 2013-02-08. Review status: criteria provided, single submitter. Criteria: ACMG Guidelines, 2007. Collection method: clinical testing. Allele origin: germline. Inheritance: Autosomal recessive inheritance.

Breakthrough Genomics
Classification: Likely benign. Review status: criteria provided, single submitter. Criteria: ACMG Guidelines, 2015. Collection method: not provided. Allele origin: germline. Inheritance: Autosomal recessive inheritance. Affected: yes.

Clinical Genetics DNA and cytogenetics Diagnostics Lab, Erasmus MC, Erasmus Medical Center
Classification: Benign. Review status: no assertion criteria provided. Collection method: clinical testing. Allele origin: germline. Affected: yes. Study: VKGL Data-share Consensus. Not counted in ClinVar's aggregate classification.

Laboratory of Diagnostic Genome Analysis, Leiden University Medical Center (LUMC)
Classification: Likely benign. Review status: no assertion criteria provided. Collection method: clinical testing. Allele origin: germline. Affected: yes. Study: VKGL Data-share Consensus. Not counted in ClinVar's aggregate classification.

NM_006031.6(PCNT):c.7914-4G>A

Gene: PCNT (pericentrin; plus strand). Cytogenetic location: 21q22.3.
Variant type: single nucleotide variant.
Coding change: c.7914-4G>A on transcript NM_006031.6 (MANE Select); 4 bases into the intron before coding-DNA position 7914, G replaced by A.
Molecular consequence: intron variant.
Genome position (GRCh38, 1-based): chr21:46,430,503, G>A. VCF-style: chr21-46430503-G-A. GRCh37 (hg19) VCF-style: chr21-47850417-G-A.
Other names: c.7560-4G>A (NM_001315529.2).
Identifiers: ClinVar variation 159669 (VCV000159669.30), dbSNP rs76287849, ClinGen allele CA173114.